The following is an entry in ClinVar:

ClinVar aggregate classification (germline): Benign/Likely benign. Review status: criteria provided, multiple submitters, no conflicts (2 of 4 stars). 4 submissions from 4 submitters: Benign (2); Likely benign (2). Last evaluated 2018-06-07.

Conditions:
3-methylcrotonyl-CoA carboxylase 1 deficiency (MCC1D). Also called: MCC 1 deficiency; 3 Alpha methylcrotonylglycinuria 1; MCCD TYPE 1; METHYLCROTONYLGLYCINURIA TYPE I. Identifiers: Orphanet 6, MedGen CN028786, MONDO:0008861, OMIM 210200.

Allele frequency attached by ClinVar (database versions not stated): 1000 Genomes Project 30x 0.00562; gnomAD 0.00749; 1000 Genomes Project 0.00519; TOPMed 0.00759; ESP Exome Variant Server 0.00641.
gnomAD v4.1: 2,132 of 1,592,920 alleles (0.13%); highest among the groups gnomAD compares: African/African-American, 2.5%; 25 homozygotes.

Submissions (4):

GeneDx
Classification: Likely benign. Last evaluated: 2018-06-07. Review status: criteria provided, single submitter. Criteria: GeneDx Variant Classification Process June 2021. Collection method: clinical testing. Allele origin: germline. Affected: yes.

Illumina Laboratory Services, Illumina
Classification: Benign for 3-methylcrotonyl-CoA carboxylase 1 deficiency. Last evaluated: 2018-01-13. Review status: criteria provided, single submitter. Criteria: ICSL Variant Classification Criteria 13 December 2019. Collection method: clinical testing. Allele origin: germline.
Comment: This variant was observed in the ICSL laboratory as part of a predisposition screen in an ostensibly healthy population. It had not been previously curated by ICSL or reported in the Human Gene Mutation Database (HGMD: prior to June 1st, 2018), and was therefore a candidate for classification through an automated scoring system. Utilizing variant allele frequency, disease prevalence and penetrance estimates, and inheritance mode, an automated score was calculated to assess if this variant is too frequent to cause the disease. Based on the score and internal cut-off values, a variant classified as benign is not then subjected to further curation. The score for this variant resulted in a classification of benign for this disease.

Breakthrough Genomics
Classification: Likely benign. Review status: criteria provided, single submitter. Criteria: ACMG Guidelines, 2015. Collection method: not provided. Allele origin: germline. Inheritance: Autosomal recessive inheritance. Affected: yes.

PreventionGenetics, part of Exact Sciences
Classification: Benign. Review status: criteria provided, single submitter. Criteria: ACMG Guidelines, 2015. Collection method: clinical testing. Allele origin: germline.

NM_020166.5(MCCC1):c.-24A>G

Genes: MCCC1 (methylcrotonyl-CoA carboxylase subunit 1; minus strand), LOC129938008 (ATAC-STARR-seq lymphoblastoid active region 20884; plus strand). Cytogenetic location: 3q27.1.
Variant type: single nucleotide variant.
Coding change: c.-24A>G on transcript NM_020166.5 (MANE Select); 24 bases upstream of the start codon, A replaced by G.
Molecular consequence: 5 prime UTR variant. On other transcripts: non-coding transcript variant (1).
Genome position (GRCh38, 1-based): chr3:183,099,464, T>C on the plus strand (A>G on the coding strand, the complement: MCCC1 is on the minus strand). VCF-style: chr3-183099464-T-C. GRCh37 (hg19) VCF-style: chr3-182817252-T-C.
Other names: c.-116A>G (NM_001293273.2); c.-214A>G (NM_001363880.1).
Identifiers: ClinVar variation 261205 (VCV000261205.8), dbSNP rs11540930, ClinGen allele CA2719257.